The following is an entry in ClinVar:

ClinVar aggregate classification (germline): Uncertain significance (1 of 4 stars; one submission).

Allele frequency attached by ClinVar (database versions not stated): gnomAD exomes below 0.00001; ExAC 0.00001.
gnomAD v4.1: 1 of 1,613,068 alleles (0.000062%); highest among the groups gnomAD compares: East Asian, 0.0022%; no homozygotes.

Submission:

Labcorp Genetics (formerly Invitae), Labcorp
Classification: Uncertain significance. Last evaluated: 2024-02-17. Review status: criteria provided, single submitter. Criteria: Invitae Variant Classification Sherloc (09022015). Collection method: clinical testing. Allele origin: germline.
Comment: This sequence change replaces alanine, which is neutral and non-polar, with threonine, which is neutral and polar, at codon 1201 of the PTPN23 protein (p.Ala1201Thr). This variant is present in population databases (rs777560060, gnomAD 0.006%). This variant has not been reported in the literature in individuals affected with PTPN23-related conditions. ClinVar contains an entry for this variant (Variation ID: 1440049). An algorithm developed to predict the effect of missense changes on protein structure and function (PolyPhen-2) suggests that this variant is likely to be disruptive. In summary, the available evidence is currently insufficient to determine the role of this variant in disease. Therefore, it has been classified as a Variant of Uncertain Significance.

NM_015466.4(PTPN23):c.3601G>A (p.Ala1201Thr)

Gene: PTPN23 (protein tyrosine phosphatase non-receptor type 23; plus strand). Cytogenetic location: 3p21.31.
Variant type: single nucleotide variant.
Coding change: c.3601G>A on transcript NM_015466.4 (MANE Select); coding-DNA position 3601, G replaced by A.
Protein change: p.Ala1201Thr; replaces alanine 1201 with threonine.
Molecular consequence: missense variant.
Genome position (GRCh38, 1-based): chr3:47,411,399, G>A. VCF-style: chr3-47411399-G-A. GRCh37 (hg19) VCF-style: chr3-47452889-G-A.
Other names: c.3223G>A, p.Ala1075Thr (NM_001304482.2); short protein forms A1201T, A1075T.
Identifiers: ClinVar variation 1440049 (VCV001440049.5), dbSNP rs777560060, ClinGen allele CA2366314.